The following is an entry in ClinVar:

NM_004006.3(DMD):c.1812+6T>A

Gene: DMD (dystrophin; minus strand). Cytogenetic location: Xp21.1.
Variant type: single nucleotide variant.
Coding change: c.1812+6T>A on transcript NM_004006.3 (MANE Select); 6 bases into the intron after coding-DNA position 1812, T replaced by A.
Molecular consequence: intron variant.
Genome position (GRCh38, 1-based): chrX:32,573,524, A>T on the plus strand (T>A on the coding strand, the complement: DMD is on the minus strand). VCF-style: chrX-32573524-A-T. GRCh37 (hg19) VCF-style: chrX-32591641-A-T.
Other names: c.1788+6T>A (NM_000109.4); c.1800+6T>A (NM_004009.3); c.1443+6T>A (NM_004010.3).
Identifiers: ClinVar variation 4712195 (VCV004712195.1).
Genomic context (GRCh38, chrX:32,573,524, plus strand): 5'-TAAATAATAGTGATAATATACAGTACTGGGTTTTTATAAGACCATTGAAAGCTAGAAAGT[A>T]CATACGGCCAGTTTTTGAAGACTTGATAACATTTCATTTTGATCTTTAAAGCCAGTTGTG-3'

ClinVar aggregate classification (germline): Uncertain significance (1 of 4 stars; one submission).

Conditions:
Duchenne muscular dystrophy (DMD). Also called: MUSCULAR DYSTROPHY, PSEUDOHYPERTROPHIC PROGRESSIVE, DUCHENNE TYPE; Duchenne Muscular Dystrophy (DMD). Identifiers: Orphanet 98896, MedGen C0013264, MONDO:0010679, OMIM 310200.

Submission:

Labcorp Genetics (formerly Invitae), Labcorp
Classification: Uncertain significance for Duchenne muscular dystrophy. Last evaluated: 2025-02-03. Review status: criteria provided, single submitter. Criteria: Invitae Variant Classification Sherloc (09022015). Collection method: clinical testing. Allele origin: germline.
Comment: This sequence change falls in intron 15 of the DMD gene. It does not directly change the encoded amino acid sequence of the DMD protein. It affects a nucleotide within the consensus splice site. This variant is not present in population databases (gnomAD no frequency). This variant has not been reported in the literature in individuals affected with DMD-related conditions. Variants that disrupt the consensus splice site are a relatively common cause of aberrant splicing (PMID: 17576681, 9536098). Algorithms developed to predict the effect of sequence changes on RNA splicing suggest that this variant may disrupt the consensus splice site. In summary, the available evidence is currently insufficient to determine the role of this variant in disease. Therefore, it has been classified as a Variant of Uncertain Significance.

Literature cited by the submitters: PubMed 17576681; PubMed 9536098.